The following is an entry in ClinVar:

ClinVar aggregate classification (germline): Likely pathogenic (1 of 4 stars; one submission).

Conditions:
Intellectual disability, autosomal dominant 9 (NESCAVS). Also called: NESCAV SYNDROME; KIF1A-Related Neurodevelopmental Disorder. Identifiers: Orphanet 662367, MedGen C5393830, MONDO:0013656, OMIM 614255.

Submission:

Baylor Genetics
Classification: Likely pathogenic for Intellectual disability, autosomal dominant 9. Last evaluated: 2018-11-05. Review status: criteria provided, single submitter. Criteria: ACMG Guidelines, 2015. Collection method: clinical testing. Allele origin: de novo. Affected: yes.
Comment: This variant was determined to be likely pathogenic according to ACMG Guidelines, 2015 [PMID:25741868].

NM_001244008.2(KIF1A):c.839A>G (p.Lys280Arg)

Gene: KIF1A (kinesin family member 1A; minus strand). Cytogenetic location: 2q37.3.
Variant type: single nucleotide variant.
Coding change: c.839A>G on transcript NM_001244008.2 (MANE Select); coding-DNA position 839, A replaced by G.
Protein change: p.Lys280Arg; replaces lysine 280 with arginine.
Molecular consequence: missense variant.
Genome position (GRCh38, 1-based): chr2:240,783,069, T>C on the plus strand (A>G on the coding strand, the complement: KIF1A is on the minus strand). VCF-style: chr2-240783069-T-C. GRCh37 (hg19) VCF-style: chr2-241722486-T-C.
Other names: c.839A>G, p.Lys280Arg (NM_001379645.1, NM_001379646.1, NM_001379648.1 and 20 more transcripts); short protein forms K280R.
Identifiers: ClinVar variation 1032200 (VCV001032200.1), dbSNP rs2054277617, ClinGen allele CA351302553.
Genomic context (GRCh38, chr2:240,783,069, plus strand): 5'-GGTTCTGGCTATGGAAGCCGGGCCGGGCCACTCACCATTTCAGCCAGGGCGGAGATGACC[T>C]TGCCCAGGGTGGTCAGCGACTTGTTGATGTTGGCCCCCTCCTGCGGGCAGAAAAGACAGT-3'
Protein context (NP_001230937.1, residues 270-290): NINKSLTTLG[Lys280Arg]VISALAEMDS